The following is an entry in ClinVar:

NM_006648.4(WNK2):c.2845A>G (p.Thr949Ala)

Gene: WNK2 (WNK lysine deficient protein kinase 2; plus strand). Cytogenetic location: 9q22.31.
Variant type: single nucleotide variant.
Coding change: c.2845A>G on transcript NM_006648.4 (MANE Select); coding-DNA position 2845, A replaced by G.
Protein change: p.Thr949Ala; replaces threonine 949 with alanine.
Molecular consequence: missense variant.
Genome position (GRCh38, 1-based): chr9:93,259,393, A>G. VCF-style: chr9-93259393-A-G. GRCh37 (hg19) VCF-style: chr9-96021675-A-G.
Other names: c.2845A>G, p.Thr949Ala (NM_001282394.3); short protein forms T949A.
Identifiers: ClinVar variation 4605376 (VCV004605376.1).

ClinVar aggregate classification (germline): Uncertain significance (1 of 4 stars; one submission).

gnomAD v4.1: 1 of 1,556,330 alleles (0.000064%); no homozygotes.

Submission:

Ambry Genetics
Classification: Uncertain significance. Last evaluated: 2025-11-20. Review status: criteria provided, single submitter. Criteria: Ambry Variant Classification Scheme 2023. Collection method: clinical testing. Allele origin: germline.
Comment: The p.T949A variant (also known as c.2845A>G), located in coding exon 11 of the WNK2 gene, results from an A to G substitution at nucleotide position 2845. The threonine at codon 949 is replaced by alanine, an amino acid with similar properties. This amino acid position is conserved. In addition, this alteration is predicted to be tolerated by in silico analysis. Based on the available evidence, the clinical significance of this variant remains unclear.